The following is an entry in ClinVar:

ClinVar aggregate classification (germline): Pathogenic (1 of 4 stars; one submission).

Conditions:
Duchenne muscular dystrophy (DMD). Also called: MUSCULAR DYSTROPHY, PSEUDOHYPERTROPHIC PROGRESSIVE, DUCHENNE TYPE; Duchenne Muscular Dystrophy (DMD). Identifiers: Orphanet 98896, MedGen C0013264, MONDO:0010679, OMIM 310200.

Submission:

Labcorp Genetics (formerly Invitae), Labcorp
Classification: Pathogenic for Duchenne muscular dystrophy. Last evaluated: 2022-04-21. Review status: criteria provided, single submitter. Criteria: Invitae Variant Classification Sherloc (09022015). Collection method: clinical testing. Allele origin: unknown.
Comment: This variant is a gross deletion of the genomic region encompassing exon(s) 28-29 of the DMD gene. This variant would be expected to be in-frame, preserving the integrity of the reading frame. A similar copy number variant has been observed in individual(s) with DMD-related conditions (PMID: 17259292). The region of the DMD gene that includes exon(s) 28 has been determined to be clinically significant (PMID: 9048922, 28116794). Therefore, deletions that encompass that region are likely to be disease-causing. For these reasons, this variant has been classified as Pathogenic.

Literature cited by the submitters: PubMed 17259292; PubMed 9048922; PubMed 28116794.

NC_000023.10:g.(?_32456348)_(32460274_?)del

Gene: DMD (dystrophin; minus strand). Cytogenetic location: Xp21.1.
Variant type: Deletion.
Identifiers: ClinVar variation 3247446 (VCV003247446.1).